The following is an entry in ClinVar:

ClinVar aggregate classification (germline): Benign. Review status: criteria provided, single submitter (1 of 4 stars). 2 submissions from 2 submitters: Benign (1). 1 of the submissions does not count toward it. Last evaluated 2023-08-17.

Conditions:
ZBTB18-related disorder. Also called: ZBTB18-related condition.

Submissions (2):

Labcorp Genetics (formerly Invitae), Labcorp
Classification: Benign. Last evaluated: 2023-08-17. Review status: criteria provided, single submitter. Criteria: Invitae Variant Classification Sherloc (09022015). Collection method: clinical testing. Allele origin: germline.

PreventionGenetics, part of Exact Sciences
Classification: Uncertain significance for ZBTB18-related condition. Last evaluated: 2024-03-29. Review status: no assertion criteria provided. Collection method: clinical testing. Allele origin: germline. Not counted in ClinVar's aggregate classification.
Comment: The ZBTB18 c.1080G>A variant is predicted to result in the amino acid substitution p.Met360Ile. To our knowledge, this variant has not been reported in the literature or in a large population database, indicating this variant is rare. At this time, the clinical significance of this variant is uncertain due to the absence of conclusive functional and genetic evidence.

NM_205768.3(ZBTB18):c.1080G>A (p.Met360Ile)

Gene: ZBTB18 (zinc finger and BTB domain containing 18; plus strand). Cytogenetic location: 1q44.
Variant type: single nucleotide variant.
Coding change: c.1080G>A on transcript NM_205768.3 (MANE Select); coding-DNA position 1080, G replaced by A.
Protein change: p.Met360Ile; replaces methionine 360 with isoleucine.
Molecular consequence: missense variant.
Genome position (GRCh38, 1-based): chr1:244,054,854, G>A. VCF-style: chr1-244054854-G-A. GRCh37 (hg19) VCF-style: chr1-244218156-G-A.
Other names: c.1080G>A (NM_205768.2); c.1053G>A, p.Met351Ile (NM_001278196.2, NM_006352.5); short protein forms M351I, M360I.
Identifiers: ClinVar variation 1719551 (VCV001719551.7), dbSNP rs2527559860, ClinGen allele CA345674330.